The following is an entry in ClinVar:

ClinVar aggregate classification (germline): Uncertain significance (1 of 4 stars; one submission).

Conditions:
Neurofibromatosis, type 1 (NF1). Also called: Neurofibromatosis, type I; Peripheral type neurofibromatosis; NEUROFIBROMATOSIS, TYPE I, SOMATIC; VON RECKLINGHAUSEN DISEASE. Identifiers: Orphanet 636, MedGen C0027831, MONDO:0018975, OMIM 162200. Disease mechanism: loss of function.

Submission:

Labcorp Genetics (formerly Invitae), Labcorp
Classification: Uncertain significance for Neurofibromatosis, type 1. Last evaluated: 2022-06-06. Review status: criteria provided, single submitter. Criteria: Invitae Variant Classification Sherloc (09022015). Collection method: clinical testing. Allele origin: germline.
Comment: This sequence change replaces arginine, which is basic and polar, with threonine, which is neutral and polar, at codon 2550 of the NF1 protein (p.Arg2550Thr). This variant is not present in population databases (gnomAD no frequency). This variant has not been reported in the literature in individuals affected with NF1-related conditions. Advanced modeling of protein sequence and biophysical properties (such as structural, functional, and spatial information, amino acid conservation, physicochemical variation, residue mobility, and thermodynamic stability) performed at Invitae indicates that this missense variant is expected to disrupt NF1 protein function. In summary, the available evidence is currently insufficient to determine the role of this variant in disease. Therefore, it has been classified as a Variant of Uncertain Significance.

NM_001042492.3(NF1):c.7712G>C (p.Arg2571Thr)

Gene: NF1 (neurofibromin 1; plus strand). Cytogenetic location: 17q11.2.
Variant type: single nucleotide variant.
Coding change: c.7712G>C on transcript NM_001042492.3 (MANE Select); coding-DNA position 7712, G replaced by C.
Protein change: p.Arg2571Thr; replaces arginine 2571 with threonine.
Molecular consequence: missense variant.
Genome position (GRCh38, 1-based): chr17:31,356,556, G>C. VCF-style: chr17-31356556-G-C. GRCh37 (hg19) VCF-style: chr17-29683574-G-C.
Other names: c.7649G>C, p.Arg2550Thr (NM_000267.4); short protein forms R2571T, R2550T.
Identifiers: ClinVar variation 2002033 (VCV002002033.4), dbSNP rs1597865842, ClinGen allele CA399018184.